The following is an entry in ClinVar:

ClinVar aggregate classification (germline): Uncertain significance. Review status: criteria provided, multiple submitters, no conflicts (2 of 4 stars). 3 submissions from 3 submitters: Uncertain significance (3). Last evaluated 2025-08-05.

Conditions:
Inborn genetic diseases. Identifiers: MedGen C0950123, MeSH D030342.

Allele frequency attached by ClinVar (database versions not stated): gnomAD exomes 0.00004; ExAC 0.00007; gnomAD 0.00021; TOPMed 0.00039; 1000 Genomes Project 0.00040; 1000 Genomes Project 30x 0.00062.
gnomAD v4.1: 104 of 1,613,574 alleles (0.0064%); highest among the groups gnomAD compares: Admixed American, 0.07%; no homozygotes.

Submissions (3):

Ambry Genetics
Classification: Uncertain significance for Inborn genetic diseases. Last evaluated: 2025-08-05. Review status: criteria provided, single submitter. Criteria: Ambry Variant Classification Scheme 2023. Collection method: clinical testing. Allele origin: germline.

Blueprint Genetics
Classification: Uncertain significance. Last evaluated: 2024-08-26. Review status: criteria provided, single submitter. Criteria: ACMG Guidelines, 2015. Collection method: clinical testing. Allele origin: germline.

Labcorp Genetics (formerly Invitae), Labcorp
Classification: Uncertain significance. Last evaluated: 2022-10-04. Review status: criteria provided, single submitter. Criteria: Invitae Variant Classification Sherloc (09022015). Collection method: clinical testing. Allele origin: germline.
Comment: This sequence change replaces serine, which is neutral and polar, with leucine, which is neutral and non-polar, at codon 1028 of the COL27A1 protein (p.Ser1028Leu). This variant is present in population databases (rs199560910, gnomAD 0.02%). This variant has not been reported in the literature in individuals affected with COL27A1-related conditions. Advanced modeling of protein sequence and biophysical properties (such as structural, functional, and spatial information, amino acid conservation, physicochemical variation, residue mobility, and thermodynamic stability) performed at Invitae indicates that this missense variant is not expected to disrupt COL27A1 protein function. In summary, the available evidence is currently insufficient to determine the role of this variant in disease. Therefore, it has been classified as a Variant of Uncertain Significance.

NM_032888.4(COL27A1):c.3083C>T (p.Ser1028Leu)

Gene: COL27A1 (collagen type XXVII alpha 1 chain; plus strand). Cytogenetic location: 9q32.
Variant type: single nucleotide variant.
Coding change: c.3083C>T on transcript NM_032888.4 (MANE Select); coding-DNA position 3083, C replaced by T.
Protein change: p.Ser1028Leu; replaces serine 1028 with leucine.
Molecular consequence: missense variant.
Genome position (GRCh38, 1-based): chr9:114,252,642, C>T. VCF-style: chr9-114252642-C-T. GRCh37 (hg19) VCF-style: chr9-117014922-C-T.
Other names: c.3083C>T (NM_032888.2); short protein forms S1028L.
Identifiers: ClinVar variation 2194754 (VCV002194754.3), dbSNP rs199560910, ClinGen allele CA5202245.